The following is an entry in ClinVar:

NM_023036.6(DNAI2):c.1122del (p.Phe375fs)

Gene: DNAI2 (dynein axonemal intermediate chain 2; plus strand). Cytogenetic location: 17q25.1.
Variant type: Deletion.
Coding change: c.1122del on transcript NM_023036.6 (MANE Select); coding-DNA position 1122, one base deleted (C; older notation c.1122delC).
Protein change: p.Phe375fs; shifts the reading frame from phenylalanine 375.
Molecular consequence: frameshift variant. On other transcripts: non-coding transcript variant (1).
Genome position (GRCh38, 1-based): chr17:74,305,353, C deleted; the last of 4 consecutive C bases (chr17:74,305,350-74,305,353); deleting any one gives the same sequence. VCF-style (leftmost placement, unchanged base first): chr17-74305349-AC-A. GRCh37 (hg19) VCF-style: chr17-72301488-AC-A.
Other names: c.1122del, p.Phe375fs (NM_001172810.3, NM_001353167.2); c.1122del (NM_023036.5); short protein forms F375fs.
Identifiers: ClinVar variation 1798192 (VCV001798192.6), dbSNP rs2053123483, ClinGen allele CA2274960932.

ClinVar aggregate classification (germline): Pathogenic/Likely pathogenic. Review status: criteria provided, multiple submitters, no conflicts (2 of 4 stars). 3 submissions from 3 submitters: Pathogenic (2); Likely pathogenic (1). Last evaluated 2025-09-15.

Conditions:
Primary ciliary dyskinesia. Also called: Ciliary dyskinesia. Identifiers: Orphanet 244, MedGen C0008780, MONDO:0016575, HP:0012265.

Submissions (3):

Natera, Inc.
Classification: Likely pathogenic for Primary ciliary dyskinesia. Last evaluated: 2025-09-15. Review status: criteria provided, single submitter. Criteria: Natera Variant Classification Schema (03/2026). Collection method: clinical testing. Allele origin: germline.
Comment: The c.1122del variant in DNAI2 is a frameshift variant predicted to shift the reading frame beginning at codon 375 and leads to a stop codon 7 codons downstream. This variant is expected to result in nonsense mediated decay, truncation, or a dysfunctional protein product. This variant is rare in the general population with a frequency below the threshold expected for the associated phenotype(s). Given the available evidence, this variant is classified as Likely Pathogenic.

Labcorp Genetics (formerly Invitae), Labcorp
Classification: Pathogenic for Primary ciliary dyskinesia. Last evaluated: 2023-02-02. Review status: criteria provided, single submitter. Criteria: Invitae Variant Classification Sherloc (09022015). Collection method: clinical testing. Allele origin: germline.
Comment: This variant has not been reported in the literature in individuals affected with DNAI2-related conditions. This sequence change creates a premature translational stop signal (p.Phe375Serfs*7) in the DNAI2 gene. It is expected to result in an absent or disrupted protein product. Loss-of-function variants in DNAI2 are known to be pathogenic (PMID: 18950741, 23891469). This variant is not present in population databases (gnomAD no frequency). ClinVar contains an entry for this variant (Variation ID: 1798192). For these reasons, this variant has been classified as Pathogenic.

Ambry Genetics
Classification: Pathogenic for Primary ciliary dyskinesia. Last evaluated: 2017-02-27. Review status: criteria provided, single submitter. Criteria: Ambry Variant Classification Scheme 2023. Collection method: clinical testing. Allele origin: germline.
Comment: The c.1122delC pathogenic mutation, located in coding exon 8 of the DNAI2 gene, results from a deletion of one nucleotide at nucleotide position 1122, causing a translational frameshift with a predicted alternate stop codon (p.F375Sfs*7). This alteration is expected to result in loss of function by premature protein truncation or nonsense-mediated mRNA decay. As such, this alteration is interpreted as a disease-causing mutation.

Literature cited by the submitters: PubMed 18950741 (cited by Labcorp Genetics (formerly Invitae), Labcorp); PubMed 23891469 (cited by Labcorp Genetics (formerly Invitae), Labcorp).